The following is an entry in ClinVar:

NM_005908.4(MANBA):c.1913G>A (p.Arg638His)

Gene: MANBA (mannosidase beta; minus strand). Cytogenetic location: 4q24.
Variant type: single nucleotide variant.
Coding change: c.1913G>A on transcript NM_005908.4 (MANE Select); coding-DNA position 1913, G replaced by A.
Protein change: p.Arg638His; replaces arginine 638 with histidine.
Molecular consequence: missense variant.
Genome position (GRCh38, 1-based): chr4:102,639,814, C>T on the plus strand (G>A on the coding strand, the complement: MANBA is on the minus strand). VCF-style: chr4-102639814-C-T. GRCh37 (hg19) VCF-style: chr4-103560971-C-T.
Other names: short protein forms R638H.
Identifiers: ClinVar variation 901952 (VCV000901952.10), dbSNP rs781584789, ClinGen allele CA3026760.
Genomic context (GRCh38, chr4:102,639,814, plus strand): 5'-TGCCAATAAAGTGCCCCCATCGTGTGCCCTTGCTGATCCACTATCTCGCTGCGACTACGG[C>T]GGTAGAATTCAGTTTCTGTTTTGACACACTGGGCCTGCATCACCTGATTCAGGAAAACAT-3'
Protein context (NP_005899.3, residues 628-648): QCVKTETEFY[Arg638His]RSRSEIVDQQ

ClinVar aggregate classification (germline): Conflicting classifications of pathogenicity. Review status: criteria provided, conflicting classifications (1 of 4 stars). 3 submissions from 3 submitters: Likely pathogenic (1); Uncertain significance (2). Last evaluated 2022-06-27.

Conditions:
Beta-D-mannosidosis (MANSB). Also called: MANNOSIDOSIS, BETA A, LYSOSOMAL; BETA-MANNOSIDASE DEFICIENCY; LYSOSOMAL BETA-MANNOSIDASE DEFICIENCY; Beta-Mannosidosis. Identifiers: Orphanet 118, MedGen C4048196, MONDO:0009562, OMIM 248510.

Allele frequency attached by ClinVar (database versions not stated): gnomAD 0.00011; TOPMed 0.00011; gnomAD exomes 0.00009; ExAC 0.00008.

Submissions (3):

Labcorp Genetics (formerly Invitae), Labcorp
Classification: Uncertain significance for Beta-D-mannosidosis. Last evaluated: 2022-06-27. Review status: criteria provided, single submitter. Criteria: Invitae Variant Classification Sherloc (09022015). Collection method: clinical testing. Allele origin: germline.
Comment: This sequence change replaces arginine, which is basic and polar, with histidine, which is basic and polar, at codon 638 of the MANBA protein (p.Arg638His). This variant is present in population databases (rs781584789, gnomAD 0.1%). This variant has not been reported in the literature in individuals affected with MANBA-related conditions. ClinVar contains an entry for this variant (Variation ID: 901952). Algorithms developed to predict the effect of missense changes on protein structure and function are either unavailable or do not agree on the potential impact of this missense change (SIFT: "Deleterious"; PolyPhen-2: "Probably Damaging"; Align-GVGD: "Class C0"). Studies have shown that this missense change alters MANBA gene expression (PMID: 25741867). In summary, the available evidence is currently insufficient to determine the role of this variant in disease. Therefore, it has been classified as a Variant of Uncertain Significance.

Revvity Omics, Revvity
Classification: Likely pathogenic for Beta-D-mannosidosis. Last evaluated: 2019-05-29. Review status: criteria provided, single submitter. Criteria: ACMG Guidelines, 2015. Collection method: clinical testing. Allele origin: germline.

Illumina Laboratory Services, Illumina
Classification: Uncertain significance for Beta-D-mannosidosis. Last evaluated: 2017-09-22. Review status: criteria provided, single submitter. Criteria: ICSL Variant Classification Criteria 13 December 2019. Collection method: clinical testing. Allele origin: germline.
Comment: This variant was observed as part of a predisposition screen in an ostensibly healthy population. A literature search was performed for the gene, cDNA change, and amino acid change (where applicable). Publications were found based on this search. However, the evidence from the literature, in combination with allele frequency data from public databases where available, was not sufficient to rule this variant in or out of causing disease. Therefore, this variant is classified as a variant of unknown significance.

Literature cited by the submitters: PubMed 25741867 (cited by Labcorp Genetics (formerly Invitae), Labcorp and Illumina Laboratory Services, Illumina).